The following is an entry in ClinVar:

ClinVar aggregate classification (germline): Uncertain significance (1 of 4 stars; one submission).

Allele frequency attached by ClinVar (database versions not stated): TOPMed 0.00001.

Submission:

Labcorp Genetics (formerly Invitae), Labcorp
Classification: Uncertain significance. Last evaluated: 2024-03-11. Review status: criteria provided, single submitter. Criteria: Invitae Variant Classification Sherloc (09022015). Collection method: clinical testing. Allele origin: germline.
Comment: This sequence change replaces methionine, which is neutral and non-polar, with leucine, which is neutral and non-polar, at codon 1479 of the SON protein (p.Met1479Leu). This variant is not present in population databases (gnomAD no frequency). This variant has not been reported in the literature in individuals affected with SON-related conditions. Algorithms developed to predict the effect of missense changes on protein structure and function output the following: SIFT: "Not Available"; PolyPhen-2: "Benign"; Align-GVGD: "Not Available". The leucine amino acid residue is found in multiple mammalian species, which suggests that this missense change does not adversely affect protein function. In summary, the available evidence is currently insufficient to determine the role of this variant in disease. Therefore, it has been classified as a Variant of Uncertain Significance.

NM_138927.4(SON):c.4435A>T (p.Met1479Leu)

Gene: SON (SON DNA and RNA binding protein; plus strand). Cytogenetic location: 21q22.11.
Variant type: single nucleotide variant.
Coding change: c.4435A>T on transcript NM_138927.4 (MANE Select); coding-DNA position 4435, A replaced by T.
Protein change: p.Met1479Leu; replaces methionine 1479 with leucine.
Molecular consequence: missense variant. On other transcripts: non-coding transcript variant (1), intron variant (1).
Genome position (GRCh38, 1-based): chr21:33,553,666, A>T. VCF-style: chr21-33553666-A-T. GRCh37 (hg19) VCF-style: chr21-34925972-A-T.
Other names: c.4435A>T, p.Met1479Leu (NM_001291411.2, NM_001412133.1, NM_032195.3 and 2 more transcripts); c.245-3490A>T (NM_001291412.3); short protein forms M1479L.
Identifiers: ClinVar variation 2763966 (VCV002763966.3), dbSNP rs2085874625, ClinGen allele CA410162614.